The following is an entry in ClinVar:

ClinVar aggregate classification (germline): Benign (1 of 4 stars; one submission).

Allele frequency attached by ClinVar (database versions not stated): 1000 Genomes Project 30x 0.06387; 1000 Genomes Project 0.06390; TOPMed 0.12097; gnomAD 0.13312 and 0.13478.
gnomAD v4.1: 20,182 of 152,262 alleles (13%); highest among the groups gnomAD compares: Non-Finnish European, 20%; 1,799 homozygotes.

Submission:

GeneDx
Classification: Benign. Last evaluated: 2018-06-14. Review status: criteria provided, single submitter. Criteria: GeneDx Variant Classification (06012015). Collection method: clinical testing. Allele origin: germline. Affected: yes.
Comment: This variant is considered likely benign or benign based on one or more of the following criteria: it is a conservative change, it occurs at a poorly conserved position in the protein, it is predicted to be benign by multiple in silico algorithms, and/or has population frequency not consistent with disease.

NM_015450.3(POT1):c.-227+159T>C

Gene: POT1 (protection of telomeres 1; minus strand). Cytogenetic location: 7q31.33.
Variant type: single nucleotide variant.
Coding change: c.-227+159T>C on transcript NM_015450.3 (MANE Select); 159 bases into the intron after 227 bases upstream of the start codon, T replaced by C.
Molecular consequence: intron variant.
Genome position (GRCh38, 1-based): chr7:124,928,656, A>G on the plus strand (T>C on the coding strand, the complement: POT1 is on the minus strand). VCF-style: chr7-124928656-A-G. GRCh37 (hg19) VCF-style: chr7-124568710-A-G.
Other names: c.-489+159T>C (NM_001042594.2).
Identifiers: ClinVar variation 678868 (VCV000678868.1), dbSNP rs12706628, ClinGen allele CA12703939.
Genomic context (GRCh38, chr7:124,928,656, plus strand): 5'-CTTTGTACCTCAGAAACTTACTCCAATGTTTCACACACGAATTTGATAATTGTTCGCTAA[A>G]TAAGTACTGAATAAGAATAACTTATTGAAATATTCAATCTCAAATGTTATGACAAAGATA-3'